The following is an entry in ClinVar:

NM_032043.3(BRIP1):c.918+9A>G

Gene: BRIP1 (BRCA1 interacting DNA helicase 1; minus strand). Cytogenetic location: 17q23.2.
Variant type: single nucleotide variant.
Coding change: c.918+9A>G on transcript NM_032043.3 (MANE Select); 9 bases into the intron after coding-DNA position 918, A replaced by G.
Molecular consequence: intron variant.
Genome position (GRCh38, 1-based): chr17:61,808,458, T>C on the plus strand (A>G on the coding strand, the complement: BRIP1 is on the minus strand). VCF-style: chr17-61808458-T-C. GRCh37 (hg19) VCF-style: chr17-59885819-T-C.
Identifiers: ClinVar variation 1569664 (VCV001569664.17), dbSNP rs2145410020, ClinGen allele CA2573154354.

ClinVar aggregate classification (germline): Likely benign. Review status: criteria provided, multiple submitters, no conflicts (2 of 4 stars). 3 submissions from 3 submitters: Likely benign (3). Last evaluated 2025-11-03.

Conditions:
Familial cancer of breast. Also called: Hereditary breast cancer; BREAST CANCER, FAMILIAL; hereditary breast carcinoma. Identifiers: Orphanet 227535, MedGen C0346153, MONDO:0016419, OMIM 114480. Disease mechanism: loss of function.
Fanconi anemia complementation group J. Also called: BRIP1-Related Fanconi Anemia. Identifiers: Orphanet 84, MedGen C1836860, MONDO:0012187, OMIM 609054.

Submissions (3):

Labcorp Genetics (formerly Invitae), Labcorp
Classification: Likely benign for Familial cancer of breast; Fanconi anemia complementation group J. Last evaluated: 2025-11-03. Review status: criteria provided, single submitter. Criteria: Invitae Variant Classification Sherloc (09022015). Collection method: clinical testing. Allele origin: germline.

Center for Genomic Medicine, Rigshospitalet, Copenhagen University Hospital
Classification: Likely benign. Last evaluated: 2025-03-04. Review status: criteria provided, single submitter. Criteria: ACMG Guidelines, 2015. Collection method: clinical testing. Allele origin: germline.

Myriad Genetics, Inc.
Classification: Likely benign for Familial cancer of breast. Last evaluated: 2024-08-22. Review status: criteria provided, single submitter. Criteria: Myriad Autosomal Dominant, Autosomal Recessive and X-Linked Classification Criteria (2023). Collection method: clinical testing. Allele origin: unknown.
Comment: This variant is considered likely benign. This variant is intronic and is not expected to impact mRNA splicing.